The following is an entry in ClinVar:

ClinVar aggregate classification (germline): Uncertain significance. Review status: reviewed by expert panel (3 of 4 stars). 3 submissions from 3 submitters: Uncertain significance (1). 2 of the submissions do not count toward it. Last evaluated 2023-11-13.

Conditions:
Inborn genetic diseases. Identifiers: MedGen C0950123, MeSH D030342.
Hereditary thrombocytopenia and hematologic cancer predisposition syndrome. Identifiers: Orphanet 71290, MedGen CN281654, MONDO:0011071.
Hereditary thrombocytopenia and hematological cancer predisposition syndrome associated with RUNX1. Also called: Familial thrombocytopenia with propensity to acute myelogenous leukemia; PLATELET DISORDER, ASPIRIN-LIKE; RUNX1 Familial Platelet Disorder with Associated Myeloid Malignancies; Familial Platelet Disorder with Propensity to Acute Myelogenous Leukemia. Identifiers: Orphanet 71290, MedGen C1832388, MeSH C563324, MONDO:0100083, OMIM 601399.

Allele frequency attached by ClinVar (database versions not stated): gnomAD exomes below 0.00001.
gnomAD v4.1: 1 of 1,538,132 alleles (0.000065%); highest among the groups gnomAD compares: Non-Finnish European, 0.000087%; no homozygotes.

Submissions (3):

ClinGen Myeloid Malignancy Variant Curation Expert Panel
Classification: Uncertain significance for Hereditary thrombocytopenia and hematologic cancer predisposition syndrome. Last evaluated: 2023-11-13. Review status: reviewed by expert panel. Criteria: ClinGen MyeloMalig ACMG Specifications v2. Collection method: curation. Allele origin: germline. Inheritance: Autosomal dominant inheritance.
Comment: NM_001754.5(RUNX1):c.1379G>A (p.Ser460Asn) is a missense variant that has a REVEL score <=0.50 (0.218) and a SpliceAI <=0.20 (0.00) (BP4). In summary, the clinical significance of this variant is uncertain. ACMG/AMP criteria applied, as specified by the Myeloid Malignancy Variant Curation Expert Panel for RUNX1: BP4

Ambry Genetics
Classification: Uncertain significance for Inborn genetic diseases. Last evaluated: 2025-05-31. Review status: criteria provided, single submitter. Criteria: Ambry Variant Classification Scheme 2023. Collection method: clinical testing. Allele origin: germline. Not counted in ClinVar's aggregate classification.
Comment: The p.S460N variant (also known as c.1379G>A), located in coding exon 8 of the RUNX1 gene, results from a G to A substitution at nucleotide position 1379. The serine at codon 460 is replaced by asparagine, an amino acid with highly similar properties. This amino acid position is conserved. In addition, this alteration is predicted to be tolerated by in silico analysis. Based on the available evidence, the clinical significance of this variant remains unclear.

Labcorp Genetics (formerly Invitae), Labcorp
Classification: Uncertain significance for Hereditary thrombocytopenia and hematological cancer predisposition syndrome associated with RUNX1. Last evaluated: 2022-01-27. Review status: criteria provided, single submitter. Criteria: Invitae Variant Classification Sherloc (09022015). Collection method: clinical testing. Allele origin: germline. Not counted in ClinVar's aggregate classification.
Comment: In summary, the available evidence is currently insufficient to determine the role of this variant in disease. Therefore, it has been classified as a Variant of Uncertain Significance. Algorithms developed to predict the effect of missense changes on protein structure and function are either unavailable or do not agree on the potential impact of this missense change (SIFT: "Tolerated"; PolyPhen-2: "Probably Damaging"; Align-GVGD: "Class C0"). ClinVar contains an entry for this variant (Variation ID: 1026606). This variant has not been reported in the literature in individuals affected with RUNX1-related conditions. This variant is not present in population databases (gnomAD no frequency). This sequence change replaces serine, which is neutral and polar, with asparagine, which is neutral and polar, at codon 460 of the RUNX1 protein (p.Ser460Asn).

NM_001754.5(RUNX1):c.1379G>A (p.Ser460Asn)

Gene: RUNX1 (RUNX family transcription factor 1; minus strand). Cytogenetic location: 21q22.12.
Variant type: single nucleotide variant.
Coding change: c.1379G>A on transcript NM_001754.5 (MANE Select); coding-DNA position 1379, G replaced by A.
Protein change: p.Ser460Asn; replaces serine 460 with asparagine.
Molecular consequence: missense variant.
Genome position (GRCh38, 1-based): chr21:34,792,199, C>T on the plus strand (G>A on the coding strand, the complement: RUNX1 is on the minus strand). VCF-style: chr21-34792199-C-T. GRCh37 (hg19) VCF-style: chr21-36164496-C-T.
Other names: NM_001754.5(RUNX1):c.1379G>A; p.Ser460Asn; c.1379G>A (NM_001754.4); c.1298G>A, p.Ser433Asn (NM_001001890.3); short protein forms S433N, S460N.
Identifiers: ClinVar variation 1026606 (VCV001026606.10), dbSNP rs2056448611, ClinGen allele CA410147011.